The following is an entry in ClinVar:

ClinVar aggregate classification (germline): Uncertain significance (1 of 4 stars; one submission).

Submission:

Ambry Genetics
Classification: Uncertain significance. Last evaluated: 2023-12-20. Review status: criteria provided, single submitter. Criteria: Ambry Variant Classification Scheme 2023. Collection method: clinical testing. Allele origin: germline.
Comment: The p.I663F variant (also known as c.1987A>T), located in coding exon 18 of the PRKDC gene, results from an A to T substitution at nucleotide position 1987. The isoleucine at codon 663 is replaced by phenylalanine, an amino acid with highly similar properties. This amino acid position is conserved. In addition, this alteration is predicted to be tolerated by in silico analysis. Since supporting evidence is limited at this time, the clinical significance of this alteration remains unclear.

NM_006904.7(PRKDC):c.1987A>T (p.Ile663Phe)

Gene: PRKDC (protein kinase, DNA-activated, catalytic subunit; minus strand). Cytogenetic location: 8q11.21.
Variant type: single nucleotide variant.
Coding change: c.1987A>T on transcript NM_006904.7 (MANE Select); coding-DNA position 1987, A replaced by T.
Protein change: p.Ile663Phe; replaces isoleucine 663 with phenylalanine.
Molecular consequence: missense variant.
Genome position (GRCh38, 1-based): chr8:47,929,918, T>A on the plus strand (A>T on the coding strand, the complement: PRKDC is on the minus strand). VCF-style: chr8-47929918-T-A. GRCh37 (hg19) VCF-style: chr8-48842478-T-A.
Other names: c.1987A>T, p.Ile663Phe (NM_001081640.2); short protein forms I663F.
Identifiers: ClinVar variation 3225771 (VCV003225771.1), dbSNP rs2551878617, ClinGen allele CA371164214.